The following is an entry in ClinVar:

ClinVar aggregate classification (germline): Uncertain significance. Review status: criteria provided, multiple submitters, no conflicts (2 of 4 stars). 2 submissions from 2 submitters: Uncertain significance (2). Last evaluated 2025-12-10.

Conditions:
Immunodeficiency, common variable, 7. Identifiers: Orphanet 1572, Orphanet 696894, MedGen C3542922, MONDO:0013862, OMIM 614699.

Allele frequency attached by ClinVar (database versions not stated): gnomAD exomes 0.00004 and 0.00012; gnomAD 0.00005; ExAC 0.00007; TOPMed 0.00008; ESP Exome Variant Server 0.00023.
gnomAD v4.1: 75 of 1,613,962 alleles (0.0046%); highest among the groups gnomAD compares: Non-Finnish European, 0.0015%; no homozygotes.

Submissions (2):

Labcorp Genetics (formerly Invitae), Labcorp
Classification: Uncertain significance for Immunodeficiency, common variable, 7. Last evaluated: 2025-12-10. Review status: criteria provided, single submitter. Criteria: Invitae Variant Classification Sherloc (09022015). Collection method: clinical testing. Allele origin: germline.
Comment: This sequence change replaces cysteine, which is neutral and slightly polar, with arginine, which is basic and polar, at codon 807 of the CR2 protein (p.Cys807Arg). This variant is present in population databases (rs138732088, gnomAD 0.2%). This variant has not been reported in the literature in individuals affected with CR2-related conditions. ClinVar contains an entry for this variant (Variation ID: 836522). An algorithm developed to predict the effect of missense changes on protein structure and function (PolyPhen-2) suggests that this variant is likely to be disruptive. In summary, the available evidence is currently insufficient to determine the role of this variant in disease. Therefore, it has been classified as a Variant of Uncertain Significance.

Blueprint Genetics
Classification: Uncertain significance. Last evaluated: 2024-04-02. Review status: criteria provided, single submitter. Criteria: ACMG Guidelines, 2015. Collection method: clinical testing. Allele origin: germline.

NM_001006658.3(CR2):c.2419T>C (p.Cys807Arg)

Gene: CR2 (complement C3d receptor 2; plus strand). Cytogenetic location: 1q32.2.
Variant type: single nucleotide variant.
Coding change: c.2419T>C on transcript NM_001006658.3 (MANE Select); coding-DNA position 2419, T replaced by C.
Protein change: p.Cys807Arg; replaces cysteine 807 with arginine.
Molecular consequence: missense variant.
Genome position (GRCh38, 1-based): chr1:207,474,919, T>C. VCF-style: chr1-207474919-T-C. GRCh37 (hg19) VCF-style: chr1-207648264-T-C.
Other names: c.2242T>C, p.Cys748Arg (NM_001877.5); short protein forms C748R, C807R.
Identifiers: ClinVar variation 836522 (VCV000836522.9), dbSNP rs138732088, ClinGen allele CA1368979.
Genomic context (GRCh38, chr1:207,474,919, plus strand): 5'-GGGAAGCACACAGGCATGATGGCAGAAAACTTTCTATATGGAAATGAAGTCTCTTATGAA[T>C]GTGACCAAGGATTCTATCTCCTGGGAGAGAAAAAATTGCAGTGCAGAAGTGATTCTAAAG-3'
Protein context (NP_001006659.1, residues 797-817): FLYGNEVSYE[Cys807Arg]DQGFYLLGEK